The following is an entry in ClinVar:

NM_001366458.2(DCBLD1):c.42T>C (p.Ala14=)

Genes: DCBLD1 (discoidin, CUB and LCCL domain containing 1; plus strand), LOC129997057 (ATAC-STARR-seq lymphoblastoid silent region 17499; plus strand). Cytogenetic location: 6q22.1.
Variant type: single nucleotide variant.
Coding change: c.42T>C on transcript NM_001366458.2 (MANE Select); coding-DNA position 42, T replaced by C.
Protein change: p.Ala14=; no amino-acid change (alanine 14 retained).
Molecular consequence: synonymous variant. On other transcripts: non-coding transcript variant (1).
Genome position (GRCh38, 1-based): chr6:117,482,823, T>C. VCF-style: chr6-117482823-T-C. GRCh37 (hg19) VCF-style: chr6-117803986-T-C.
Other names: c.42T>C, p.Ala14= (NM_001366459.2, NM_001366460.2, NM_173674.3).
Identifiers: ClinVar variation 2656874 (VCV002656874.24), dbSNP rs934173261, ClinGen allele CA146002262.

ClinVar aggregate classification (germline): Likely benign (1 of 4 stars; one submission).

Allele frequency attached by ClinVar (database versions not stated): TOPMed 0.00006; gnomAD exomes 0.00008; gnomAD 0.00009.
gnomAD v4.1: 93 of 1,164,412 alleles (0.008%); highest among the groups gnomAD compares: Non-Finnish European, 0.0094%; no homozygotes.

Submission:

CeGaT Center for Human Genetics Tuebingen
Classification: Likely benign. Last evaluated: 2022-04-01. Review status: criteria provided, single submitter. Criteria: CeGaT Center For Human Genetics Tuebingen Variant Classification Criteria Version 2. Collection method: clinical testing. Allele origin: germline. Affected: yes. Observed: 1 variant allele.
Comment: DCBLD1: BP4, BP7